The following is an entry in ClinVar:

NM_005744.5(ARIH1):c.258TGG[4] (p.Gly90_Pro91insGly)

Gene: ARIH1 (ariadne RBR E3 ubiquitin protein ligase 1; plus strand). Cytogenetic location: 15q24.1.
Variant type: Microsatellite.
Coding change: c.258TGG[4] on transcript NM_005744.5 (MANE Select); four copies in a row of the 3-base unit TGG starting at c.258; the reference has three copies in a row; one copy, 3 bases duplicated.
Protein change: p.Gly90_Pro91insGly.
Molecular consequence: inframe insertion.
Genome position (GRCh38, 1-based): chr15:72,474,903-72,474,905, TGG duplicated; duplicating any 3 consecutive bases within chr15:72,474,895-72,474,905 gives the same sequence; the position shown is the placement nearest the transcript's 3' end. VCF-style (leftmost placement, unchanged base first): chr15-72474894-C-CGGT. GRCh37 (hg19) VCF-style: chr15-72767235-C-CGGT.
Identifiers: ClinVar variation 2056812 (VCV002056812.4), dbSNP rs767633154, ClinGen allele CA7645458.

ClinVar aggregate classification (germline): Uncertain significance (1 of 4 stars; one submission).

Submission:

Labcorp Genetics (formerly Invitae), Labcorp
Classification: Uncertain significance. Last evaluated: 2026-02-02. Review status: criteria provided, single submitter. Criteria: Invitae Variant Classification Sherloc (09022015). Collection method: clinical testing. Allele origin: germline.
Comment: This variant, c.264_266dup, results in the insertion of 1 amino acid(s) of the ARIH1 protein (p.Gly90dup), but otherwise preserves the integrity of the reading frame. The frequency data for this variant in the population databases is considered unreliable, as metrics indicate poor data quality at this position in the gnomAD database. This variant has not been reported in the literature in individuals affected with ARIH1-related conditions. In summary, the available evidence is currently insufficient to determine the role of this variant in disease. Therefore, it has been classified as a Variant of Uncertain Significance.